The following is an entry in ClinVar:

ClinVar aggregate classification (germline): Uncertain significance (1 of 4 stars; one submission).

Conditions:
Spermatogenic failure 18. Identifiers: MedGen C4539783, MONDO:0054615, OMIM 617576.
Ciliary dyskinesia, primary, 37 (CILD37). Also called: CILIARY DYSKINESIA, PRIMARY, 37, WITH OR WITHOUT SITUS INVERSUS. Identifiers: MedGen C4539798, MONDO:0033204, OMIM 617577.

Allele frequency attached by ClinVar (database versions not stated): gnomAD exomes below 0.00001.
gnomAD v4.1: 1 of 1,584,000 alleles (0.000063%); highest among the groups gnomAD compares: Non-Finnish European, 0.000086%; no homozygotes.

Submission:

Labcorp Genetics (formerly Invitae), Labcorp
Classification: Uncertain significance for Ciliary dyskinesia, primary, 37; Spermatogenic failure 18. Last evaluated: 2018-11-24. Review status: criteria provided, single submitter. Criteria: Invitae Variant Classification Sherloc (09022015). Collection method: clinical testing. Allele origin: germline.
Comment: In summary, the available evidence is currently insufficient to determine the role of this variant in disease. Therefore, it has been classified as a Variant of Uncertain Significance. Algorithms developed to predict the effect of missense changes on protein structure and function are either unavailable or do not agree on the potential impact of this missense change (SIFT: "Deleterious"; PolyPhen-2: "Probably Damaging"; Align-GVGD: "Class C0"). This variant has not been reported in the literature in individuals with DNAH1-related conditions. This variant is not present in population databases (ExAC no frequency). This sequence change replaces leucine with phenylalanine at codon 3762 of the DNAH1 protein (p.Leu3762Phe). The leucine residue is highly conserved and there is a small physicochemical difference between leucine and phenylalanine.

NM_015512.5(DNAH1):c.11284C>T (p.Leu3762Phe)

Gene: DNAH1 (dynein axonemal heavy chain 1; plus strand). Cytogenetic location: 3p21.1.
Variant type: single nucleotide variant.
Coding change: c.11284C>T on transcript NM_015512.5 (MANE Select); coding-DNA position 11284, C replaced by T.
Protein change: p.Leu3762Phe; replaces leucine 3762 with phenylalanine.
Molecular consequence: missense variant.
Genome position (GRCh38, 1-based): chr3:52,396,392, C>T. VCF-style: chr3-52396392-C-T. GRCh37 (hg19) VCF-style: chr3-52430408-C-T.
Other names: short protein forms L3762F.
Identifiers: ClinVar variation 652507 (VCV000652507.6), dbSNP rs1578206910, ClinGen allele CA353208754.